The following is an entry in ClinVar:

ClinVar aggregate classification (germline): Likely pathogenic (1 of 4 stars; one submission).

Conditions:
Inborn genetic diseases. Identifiers: MedGen C0950123, MeSH D030342.

Submission:

Ambry Genetics
Classification: Likely pathogenic for Inborn genetic diseases. Last evaluated: 2025-07-24. Review status: criteria provided, single submitter. Criteria: Ambry Variant Classification Scheme 2023. Collection method: clinical testing. Allele origin: germline.
Comment: The c.2079dupA (p.H694Tfs*14) alteration, located in exon 9 (coding exon 7) of the ZNF711 gene, consists of a duplication of A at position 2079, causing a translational frameshift with a predicted alternate stop codon after 14 amino acids. This variant is not expected to trigger nonsense-mediated mRNA decay, and impacts the last 8.9% of the protein. Premature stop codons are typically deleterious in nature, the impacted region is critical for protein function, and a significant portion of the protein is affected (Ambry internal data). This variant was not reported in population-based cohorts in the Genome Aggregation Database (gnomAD). Based on the available evidence, this alteration is classified as likely pathogenic.

NM_001330574.2(ZNF711):c.2217dup (p.His740fs)

Gene: ZNF711 (zinc finger protein 711; plus strand). Cytogenetic location: Xq21.1.
Variant type: Duplication.
Coding change: c.2217dup on transcript NM_001330574.2 (MANE Select); coding-DNA position 2217, one base duplicated (A; older notation c.2217dupA).
Protein change: p.His740fs; shifts the reading frame from histidine 740.
Molecular consequence: frameshift variant.
Genome position (GRCh38, 1-based): chrX:85,271,621, A duplicated; the last of 7 consecutive A bases (chrX:85,271,615-85,271,621); duplicating any one gives the same sequence. VCF-style (leftmost placement, unchanged base first): chrX-85271614-T-TA. GRCh37 (hg19) VCF-style: chrX-84526620-T-TA.
Other names: c.2217dup, p.His740fs (NM_001375431.1, NM_001375432.1, NM_001375433.1); c.2079dup, p.His694fs (NM_001375434.1, NM_001375435.1, NM_001375436.1 and 2 more transcripts); short protein forms H740fs, H694fs.
Identifiers: ClinVar variation 4211813 (VCV004211813.1).